The following is an entry in ClinVar:

NM_000374.5(UROD):c.968A>G (p.Gln323Arg)

Gene: UROD (uroporphyrinogen decarboxylase; plus strand). Cytogenetic location: 1p34.1.
Variant type: single nucleotide variant.
Coding change: c.968A>G on transcript NM_000374.5 (MANE Select); coding-DNA position 968, A replaced by G.
Protein change: p.Gln323Arg; replaces glutamine 323 with arginine.
Molecular consequence: missense variant. On other transcripts: non-coding transcript variant (3).
Genome position (GRCh38, 1-based): chr1:45,015,362, A>G. VCF-style: chr1-45015362-A-G. GRCh37 (hg19) VCF-style: chr1-45481034-A-G.
Other names: short protein forms Q323R.
Identifiers: ClinVar variation 3235017 (VCV003235017.1), dbSNP rs1644843300, ClinGen allele CA340120719.
Genomic context (GRCh38, chr1:45,015,362, plus strand): 5'-GTCCTCCTGTAGCCAGTGCCCTGTTGGTCCCCCAGGAGGAGATCGGGCAGTTGGTGAAGC[A>G]GATGCTGGATGACTTTGGACCACATCGCTACATTGCCAACCTGGGCCATGGGCTTTATCC-3'
Protein context (NP_000365.3, residues 313-333): SEEEIGQLVK[Gln323Arg]MLDDFGPHRY

ClinVar aggregate classification (germline): Uncertain significance (1 of 4 stars; one submission).

Conditions:
Familial porphyria cutanea tarda (PCT). Also called: PCT, TYPE II; PORPHYRIA CUTANEA TARDA, TYPE II; PORPHYRIA, HEPATOCUTANEOUS TYPE; UROD DEFICIENCY; UROPORPHYRINOGEN DECARBOXYLASE DEFICIENCY; PCT, ''FAMILIAL'' TYPE. Identifiers: Orphanet 101330, Orphanet 443062, MedGen C0268323, MONDO:0008296, OMIM 176100.

Submission:

Neuberg Centre For Genomic Medicine, NCGM
Classification: Uncertain significance for Familial porphyria cutanea tarda. Review status: criteria provided, single submitter. Criteria: ACMG Guidelines, 2015. Collection method: clinical testing. Allele origin: germline. Inheritance: Autosomal recessive inheritance. Affected: yes.
Comment: The missense variant c.968A>G p.Gln323Arg in UROD gene has not been reported previously as a pathogenic variant nor as a benign variant, to our knowledge. This variant is novel not in any individuals in gnomAD Exomes and 1000 Genomes. The amino acid Glutamine at position 323 is changed to a Arginine changing protein sequence and it might alter its composition and physico-chemical properties. The amino acid change p.Gln323Arg in UROD is predicted as conserved by GERP++ and PhyloP across 100 vertebrates. For these reasons, this variant has been classified as Uncertain Significance.